The following is an entry in ClinVar:

ClinVar aggregate classification (germline): Likely pathogenic (1 of 4 stars; one submission).

Submission:

GeneDx
Classification: Likely pathogenic. Last evaluated: 2015-01-29. Review status: criteria provided, single submitter. Criteria: GeneDx Variant Classification (06012015). Collection method: clinical testing. Allele origin: germline. Affected: yes.
Comment: A novel c.916-3 C>G variant that is likely pathogenic was identified in the NAGS gene. It has not been published as a pathogenic variant, nor has it been reported as a benign polymorphism to our knowledge. Several in-silico splice prediction models predict that c.916-3 C>G destroys the natural splice acceptor site in intron 3 which would be expected to lead to abnormal gene splicing. However, in the absence of RNA/functional studies, the actual effect of this sequence change in this individual is unknown. Therefore, this is a strong candidate for a pathogenic variant, however the possibility that it is a benign variant cannot be excluded.

NM_153006.3(NAGS):c.916-3C>G

Gene: NAGS (N-acetylglutamate synthase; plus strand). Cytogenetic location: 17q21.31.
Variant type: single nucleotide variant.
Coding change: c.916-3C>G on transcript NM_153006.3 (MANE Select); 3 bases into the intron before coding-DNA position 916, C replaced by G.
Molecular consequence: intron variant.
Genome position (GRCh38, 1-based): chr17:44,006,526, C>G. VCF-style: chr17-44006526-C-G. GRCh37 (hg19) VCF-style: chr17-42083894-C-G.
Identifiers: ClinVar variation 418369 (VCV000418369.2), dbSNP rs1064793209, ClinGen allele CA16620450.